The following is an entry in ClinVar:

NM_021922.3(FANCE):c.340C>G (p.Leu114Val)

Gene: FANCE (FA complementation group E; plus strand). Cytogenetic location: 6p21.31.
Variant type: single nucleotide variant.
Coding change: c.340C>G on transcript NM_021922.3 (MANE Select); coding-DNA position 340, C replaced by G.
Protein change: p.Leu114Val; replaces leucine 114 with valine.
Molecular consequence: missense variant.
Genome position (GRCh38, 1-based): chr6:35,455,838, C>G. VCF-style: chr6-35455838-C-G. GRCh37 (hg19) VCF-style: chr6-35423615-C-G.
Other names: c.340C>G, p.Leu114Val (NM_001410876.1); short protein forms L114V.
Identifiers: ClinVar variation 4745013 (VCV004745013.1).

ClinVar aggregate classification (germline): Uncertain significance (1 of 4 stars; one submission).

Conditions:
Fanconi anemia complementation group E (FANCE). Also called: FANCE-Related Fanconi Anemia. Identifiers: Orphanet 84, MedGen C3160739, MONDO:0010953, OMIM 600901.

gnomAD v4.1: 11 of 1,614,096 alleles (0.00068%); highest among the groups gnomAD compares: Non-Finnish European, 0.00093%; no homozygotes.

Submission:

Labcorp Genetics (formerly Invitae), Labcorp
Classification: Uncertain significance for Fanconi anemia complementation group E. Last evaluated: 2025-10-03. Review status: criteria provided, single submitter. Criteria: Invitae Variant Classification Sherloc (09022015). Collection method: clinical testing. Allele origin: germline.
Comment: This sequence change replaces leucine, which is neutral and non-polar, with valine, which is neutral and non-polar, at codon 114 of the FANCE protein (p.Leu114Val). This variant is not present in population databases (gnomAD no frequency). This variant has not been reported in the literature in individuals affected with FANCE-related conditions. Invitae Evidence Modeling of protein sequence and biophysical properties (such as structural, functional, and spatial information, amino acid conservation, physicochemical variation, residue mobility, and thermodynamic stability) indicates that this missense variant is not expected to disrupt FANCE protein function with a negative predictive value of 80%. In summary, the available evidence is currently insufficient to determine the role of this variant in disease. Therefore, it has been classified as a Variant of Uncertain Significance.